The following is an entry in ClinVar:

ClinVar aggregate classification (germline): Uncertain significance (1 of 4 stars; one submission).

Conditions:
Familial thoracic aortic aneurysm and aortic dissection (TAAD). Also called: Thoracic aortic aneurysms and dissections. Identifiers: Orphanet 91387, MedGen C4707243, MONDO:0019625.

Submission:

Ambry Genetics
Classification: Uncertain significance for Familial thoracic aortic aneurysm and aortic dissection. Last evaluated: 2024-11-19. Review status: criteria provided, single submitter. Criteria: Ambry Variant Classification Scheme 2023. Collection method: clinical testing. Allele origin: germline.
Comment: The p.P983S variant (also known as c.2947C>T), located in coding exon 23 of the FBN2 gene, results from a C to T substitution at nucleotide position 2947. The proline at codon 983 is replaced by serine, an amino acid with similar properties. This amino acid position is well conserved in available vertebrate species. In addition, the in silico prediction for this alteration is inconclusive. Based on the available evidence, the clinical significance of this variant remains unclear.

NM_001999.4(FBN2):c.2947C>T (p.Pro983Ser)

Gene: FBN2 (fibrillin 2; minus strand). Cytogenetic location: 5q23.3.
Variant type: single nucleotide variant.
Coding change: c.2947C>T on transcript NM_001999.4 (MANE Select); coding-DNA position 2947, C replaced by T.
Protein change: p.Pro983Ser; replaces proline 983 with serine.
Molecular consequence: missense variant.
Genome position (GRCh38, 1-based): chr5:128,349,389, G>A on the plus strand (C>T on the coding strand, the complement: FBN2 is on the minus strand). VCF-style: chr5-128349389-G-A. GRCh37 (hg19) VCF-style: chr5-127685081-G-A.
Other names: short protein forms P983S.
Identifiers: ClinVar variation 3513664 (VCV003513664.1).